The following is an entry in ClinVar:

NM_018465.4(PLGRKT):c.369G>T (p.Leu123=)

Gene: PLGRKT (plasminogen receptor with a C-terminal lysine; minus strand). Cytogenetic location: 9p24.1.
Variant type: single nucleotide variant.
Coding change: c.369G>T on transcript NM_018465.4 (MANE Select); coding-DNA position 369, G replaced by T.
Protein change: p.Leu123=; no amino-acid change (leucine 123 retained).
Molecular consequence: synonymous variant.
Genome position (GRCh38, 1-based): chr9:5,358,314, C>A on the plus strand (G>T on the coding strand, the complement: PLGRKT is on the minus strand). VCF-style: chr9-5358314-C-A. GRCh37 (hg19) VCF-style: chr9-5358314-C-A.
Identifiers: ClinVar variation 3771938 (VCV003771938.13).

ClinVar aggregate classification (germline): Likely benign (1 of 4 stars; one submission).

Submission:

CeGaT Center for Human Genetics Tuebingen
Classification: Likely benign. Last evaluated: 2025-02-01. Review status: criteria provided, single submitter. Criteria: CeGaT Center For Human Genetics Tuebingen Variant Classification Criteria Version 2. Collection method: clinical testing. Allele origin: germline. Affected: yes. Observed: 1 variant allele.
Comment: PLGRKT: PM2:Supporting, BP4, BP7